The following is an entry in ClinVar:

NM_031220.4(PITPNM3):c.2641G>A (p.Ala881Thr)

Gene: PITPNM3 (PITPNM family member 3; minus strand). Cytogenetic location: 17p13.2.
Variant type: single nucleotide variant.
Coding change: c.2641G>A on transcript NM_031220.4 (MANE Select); coding-DNA position 2641, G replaced by A.
Protein change: p.Ala881Thr; replaces alanine 881 with threonine.
Molecular consequence: missense variant.
Genome position (GRCh38, 1-based): chr17:6,455,622, C>T on the plus strand (G>A on the coding strand, the complement: PITPNM3 is on the minus strand). VCF-style: chr17-6455622-C-T. GRCh37 (hg19) VCF-style: chr17-6358942-C-T.
Other names: c.2533G>A, p.Ala845Thr (NM_001165966.2); short protein forms A881T, A845T.
Identifiers: ClinVar variation 1347821 (VCV001347821.7), dbSNP rs1383168508, ClinGen allele CA397401262.

ClinVar aggregate classification (germline): Uncertain significance. Review status: criteria provided, multiple submitters, no conflicts (2 of 4 stars). 2 submissions from 2 submitters: Uncertain significance (2). Last evaluated 2025-10-29.

Allele frequency attached by ClinVar (database versions not stated): gnomAD exomes below 0.00001; gnomAD 0.00002.
gnomAD v4.1: 3 of 1,493,778 alleles (0.0002%); highest among the groups gnomAD compares: African/African-American, 0.0018%; no homozygotes.

Submissions (2):

Labcorp Genetics (formerly Invitae), Labcorp
Classification: Uncertain significance. Last evaluated: 2025-10-29. Review status: criteria provided, single submitter. Criteria: Invitae Variant Classification Sherloc (09022015). Collection method: clinical testing. Allele origin: germline.
Comment: This sequence change replaces alanine, which is neutral and non-polar, with threonine, which is neutral and polar, at codon 881 of the PITPNM3 protein (p.Ala881Thr). This variant is not present in population databases (gnomAD no frequency). This variant has not been reported in the literature in individuals affected with PITPNM3-related conditions. ClinVar contains an entry for this variant (Variation ID: 1347821). Invitae Evidence Modeling of protein sequence and biophysical properties (such as structural, functional, and spatial information, amino acid conservation, physicochemical variation, residue mobility, and thermodynamic stability) indicates that this missense variant is not expected to disrupt PITPNM3 protein function with a negative predictive value of 80%. In summary, the available evidence is currently insufficient to determine the role of this variant in disease. Therefore, it has been classified as a Variant of Uncertain Significance.

Blueprint Genetics
Classification: Uncertain significance. Last evaluated: 2024-06-06. Review status: criteria provided, single submitter. Criteria: ACMG Guidelines, 2015. Collection method: clinical testing. Allele origin: germline.